The following is an entry in ClinVar:

NM_002432.3(MNDA):c.259T>A (p.Ser87Thr)

Gene: MNDA (myeloid cell nuclear differentiation antigen; plus strand). Cytogenetic location: 1q23.1.
Variant type: single nucleotide variant.
Coding change: c.259T>A on transcript NM_002432.3 (MANE Select); coding-DNA position 259, T replaced by A.
Protein change: p.Ser87Thr; replaces serine 87 with threonine.
Molecular consequence: missense variant.
Genome position (GRCh38, 1-based): chr1:158,842,412, T>A. VCF-style: chr1-158842412-T-A. GRCh37 (hg19) VCF-style: chr1-158812202-T-A.
Other names: short protein forms S87T.
Identifiers: ClinVar variation 1793625 (VCV001793625.3), dbSNP rs1222819443, ClinGen allele CA343037143.

ClinVar aggregate classification (germline): Uncertain significance (1 of 4 stars; one submission).

Allele frequency attached by ClinVar (database versions not stated): TOPMed 0.00001; gnomAD 0.00002; gnomAD exomes 0.00003.
gnomAD v4.1: 40 of 1,610,278 alleles (0.0025%); highest among the groups gnomAD compares: Non-Finnish European, 0.0031%; no homozygotes.

Submission:

Ambry Genetics
Classification: Uncertain significance. Last evaluated: 2023-08-07. Review status: criteria provided, single submitter. Criteria: Ambry Variant Classification Scheme 2023. Collection method: clinical testing. Allele origin: germline.
Comment: The p.S87T variant (also known as c.259T>A), located in coding exon 1 of the MNDA gene, results from a T to A substitution at nucleotide position 259. The serine at codon 87 is replaced by threonine, an amino acid with similar properties. This amino acid position is conserved. In addition, this alteration is predicted to be tolerated by in silico analysis. Since supporting evidence is limited at this time, the clinical significance of this alteration remains unclear.